The following is an entry in ClinVar:

ClinVar aggregate classification (germline): Benign/Likely benign. Review status: criteria provided, multiple submitters, no conflicts (2 of 4 stars). 4 submissions from 4 submitters: Benign (1); Likely benign (3). Last evaluated 2026-09-01.

Conditions:
Early Myoclonic Encephalopathy. Identifiers: MedGen C0270855.

Allele frequency attached by ClinVar (database versions not stated): ExAC 0.00052; gnomAD exomes 0.00066 and 0.00088; ESP Exome Variant Server 0.00077; gnomAD 0.00086 and 0.00093; TOPMed 0.00091.
gnomAD v4.1: 1,400 of 1,611,756 alleles (0.087%); highest among the groups gnomAD compares: Admixed American, 0.19%; 2 homozygotes.

Submissions (4):

CeGaT Center for Human Genetics Tuebingen
Classification: Likely benign. Last evaluated: 2026-09-01. Review status: criteria provided, single submitter. Criteria: CeGaT Center For Human Genetics Tuebingen Variant Classification Criteria Version 2. Collection method: clinical testing. Allele origin: germline. Affected: yes. Observed: 2 variant alleles.
Comment: KCND2: BP4

Labcorp Genetics (formerly Invitae), Labcorp
Classification: Likely benign for Early Myoclonic Encephalopathy. Last evaluated: 2026-01-15. Review status: criteria provided, single submitter. Criteria: Invitae Variant Classification Sherloc (09022015). Collection method: clinical testing. Allele origin: germline.

Women's Health and Genetics/Laboratory Corporation of America, LabCorp
Classification: Benign. Last evaluated: 2025-05-28. Review status: criteria provided, single submitter. Criteria: LabCorp Variant Classification Summary - May 2015. Collection method: clinical testing. Allele origin: germline.

Mayo Clinic Laboratories, Mayo Clinic
Classification: Likely benign. Last evaluated: 2025-03-04. Review status: criteria provided, single submitter. Criteria: ACMG Guidelines, 2015. Collection method: clinical testing. Allele origin: germline. Observed: 1 variant allele.
Comment: BS1, BP4, BP7

NM_012281.3(KCND2):c.1375-8G>T

Gene: KCND2 (potassium voltage-gated channel subfamily D member 2; plus strand). Cytogenetic location: 7q31.31.
Variant type: single nucleotide variant.
Coding change: c.1375-8G>T on transcript NM_012281.3 (MANE Select); 8 bases into the intron before coding-DNA position 1375, G replaced by T.
Molecular consequence: intron variant.
Genome position (GRCh38, 1-based): chr7:120,742,502, G>T. VCF-style: chr7-120742502-G-T. GRCh37 (hg19) VCF-style: chr7-120382556-G-T.
Other names: p.?.
Identifiers: ClinVar variation 460198 (VCV000460198.14), dbSNP rs201244697, ClinGen allele CA4453670.